The following is an entry in ClinVar:

ClinVar aggregate classification (germline): Conflicting classifications of pathogenicity. Review status: criteria provided, conflicting classifications (1 of 4 stars). 7 submissions from 7 submitters: Uncertain significance (2); Likely benign (4). 1 of the submissions does not count toward it. Last evaluated 2026-01-14.

Conditions:
VPS33B-related disorder. Also called: VPS33B-related condition.
Arthrogryposis, renal dysfunction, and cholestasis 1 (ARCS1). Identifiers: Orphanet 2697, MedGen C1859722, MONDO:0008822, OMIM 208085.

Allele frequency attached by ClinVar (database versions not stated): TOPMed 0.00082; ExAC 0.00103; gnomAD 0.00111 and 0.00116; gnomAD exomes 0.00112 and 0.00135; ESP Exome Variant Server 0.00115.
gnomAD v4.1: 2,134 of 1,614,052 alleles (0.13%); highest among the groups gnomAD compares: Non-Finnish European, 0.15%; 4 homozygotes.

Submissions (7):

Labcorp Genetics (formerly Invitae), Labcorp
Classification: Likely benign. Last evaluated: 2026-01-14. Review status: criteria provided, single submitter. Criteria: Invitae Variant Classification Sherloc (09022015). Collection method: clinical testing. Allele origin: germline.

Women's Health and Genetics/Laboratory Corporation of America, LabCorp
Classification: Likely benign. Last evaluated: 2025-07-28. Review status: criteria provided, single submitter. Criteria: LabCorp Variant Classification Summary - May 2015. Collection method: clinical testing. Allele origin: germline.
Comment: Variant summary: VPS33B c.944G>A (p.Arg315Gln) results in a conservative amino acid change in the encoded protein sequence. Algorithms developed to predict the effect of missense changes on protein structure and function are either unavailable or do not agree on the potential impact of this missense change. The variant allele was found at a frequency of 0.0013 in 1614052 control chromosomes, predominantly at a frequency of 0.0033 within the Finnish subpopulation in the gnomAD database, including 1 homozygote. The observed variant frequency within Finnish control individuals in the gnomAD database exceeds the estimated maximal expected allele frequency for a pathogenic variant in VPS33B causing VPS33B-Related Disorders phenotype. c.944G>A has been observed in an individual with a bleeding disorder, without strong evidence of causality (example: Leine_2017). This report does not provide unequivocal conclusions about association of the variant with VPS33B-Related Disorders. To our knowledge, no experimental evidence demonstrating an impact on protein function has been reported. The following publication has been ascertained in the context of this evaluation (PMID: 28748566). ClinVar contains an entry for this variant (Variation ID: 289201). Based on the evidence outlined above, the variant was classified as likely benign.

Mayo Clinic Laboratories, Mayo Clinic
Classification: Likely benign. Last evaluated: 2025-06-05. Review status: criteria provided, single submitter. Criteria: ACMG Guidelines, 2015. Collection method: clinical testing. Allele origin: germline. Observed: 4 variant alleles.
Comment: BS1

CeGaT Center for Human Genetics Tuebingen
Classification: Likely benign. Last evaluated: 2025-02-01. Review status: criteria provided, single submitter. Criteria: CeGaT Center For Human Genetics Tuebingen Variant Classification Criteria Version 2. Collection method: clinical testing. Allele origin: germline. Affected: yes. Observed: 1 variant allele.
Comment: VPS33B: PP3, BS2

Eurofins Ntd Llc (ga)
Classification: Uncertain significance. Last evaluated: 2018-07-27. Review status: criteria provided, single submitter. Criteria: EGL ClinVar v180209 classification definitions. Collection method: clinical testing. Allele origin: germline. Observed: 7 variant alleles, 7 heterozygotes.

Illumina Laboratory Services, Illumina
Classification: Uncertain significance for Arthrogryposis, renal dysfunction, and cholestasis 1. Last evaluated: 2018-01-12. Review status: criteria provided, single submitter. Criteria: ICSL Variant Classification Criteria 13 December 2019. Collection method: clinical testing. Allele origin: germline.

PreventionGenetics, part of Exact Sciences
Classification: Likely benign for VPS33B-related condition. Last evaluated: 2023-02-21. Review status: no assertion criteria provided. Collection method: clinical testing. Allele origin: germline. Not counted in ClinVar's aggregate classification.
Comment: This variant is classified as likely benign based on ACMG/AMP sequence variant interpretation guidelines (Richards et al. 2015 PMID: 25741868, with internal and published modifications).

Literature cited by the submitters: PubMed 28748566 (cited by Women's Health and Genetics/Laboratory Corporation of America, LabCorp).

NM_018668.5(VPS33B):c.944G>A (p.Arg315Gln)

Gene: VPS33B (VPS33B late endosome and lysosome associated; minus strand). Cytogenetic location: 15q26.1.
Variant type: single nucleotide variant.
Coding change: c.944G>A on transcript NM_018668.5 (MANE Select); coding-DNA position 944, G replaced by A.
Protein change: p.Arg315Gln; replaces arginine 315 with glutamine.
Molecular consequence: missense variant.
Genome position (GRCh38, 1-based): chr15:91,005,780, C>T on the plus strand (G>A on the coding strand, the complement: VPS33B is on the minus strand). VCF-style: chr15-91005780-C-T. GRCh37 (hg19) VCF-style: chr15-91549010-C-T.
Other names: p.Arg315Gln; c.863G>A, p.Arg288Gln (NM_001289148.1); c.671G>A, p.Arg224Gln (NM_001289149.1); short protein forms R315Q, R224Q, R288Q.
Identifiers: ClinVar variation 289201 (VCV000289201.37), dbSNP rs145303578, ClinGen allele CA7744842.
Genomic context (GRCh38, chr15:91,005,780, plus strand): 5'-TTCAGGCCCTTGAGCTCCTGGGACACGAAATTCTTCATCTGCTTAATGTCCATGCCTCTC[C>T]GGCGCTGTGGGAAAATTCCCAAAGGTGAACCCCCCAACCTCAGACACGAGAAACCACCAC-3'
Protein context (NP_061138.3, residues 305-325): ARNLQAQYDR[Arg315Gln]RGMDIKQMKN